The following is an entry in ClinVar:

NM_004629.2(FANCG):c.1858T>C (p.Cys620Arg)

Gene: FANCG (FA complementation group G; minus strand). Cytogenetic location: 9p13.3.
Variant type: single nucleotide variant.
Coding change: c.1858T>C on transcript NM_004629.2 (MANE Select); coding-DNA position 1858, T replaced by C.
Protein change: p.Cys620Arg; replaces cysteine 620 with arginine.
Molecular consequence: missense variant.
Genome position (GRCh38, 1-based): chr9:35,074,119, A>G on the plus strand (T>C on the coding strand, the complement: FANCG is on the minus strand). VCF-style: chr9-35074119-A-G. GRCh37 (hg19) VCF-style: chr9-35074116-A-G.
Other names: short protein forms C620R.
Identifiers: ClinVar variation 4068044 (VCV004068044.2).

ClinVar aggregate classification (germline): Uncertain significance. Review status: criteria provided, single submitter (1 of 4 stars). 2 submissions from 2 submitters: Uncertain significance (1). 1 of the submissions does not count toward it. Last evaluated 2026-01-26.

Conditions:
Inborn genetic diseases. Identifiers: MedGen C0950123, MeSH D030342.
Fanconi anemia complementation group G. Also called: Fanconi anemia group G; FANCG-Related Fanconi Anemia. Identifiers: Orphanet 84, MedGen C3469527, MONDO:0013565, OMIM 614082.

Submissions (2):

Ambry Genetics
Classification: Uncertain significance for Inborn genetic diseases. Last evaluated: 2026-01-26. Review status: criteria provided, single submitter. Criteria: Ambry Variant Classification Scheme 2023. Collection method: clinical testing. Allele origin: germline.
Comment: The p.C620R variant (also known as c.1858T>C), located in coding exon 14 of the FANCG gene, results from a T to C substitution at nucleotide position 1858. The cysteine at codon 620 is replaced by arginine, an amino acid with highly dissimilar properties. This amino acid position is conserved. In addition, this alteration is predicted to be tolerated by in silico analysis. Based on the available evidence, the clinical significance of this variant remains unclear.

Natera, Inc.
Classification: Uncertain significance for Fanconi anemia group G. Last evaluated: 2025-05-21. Review status: no assertion criteria provided. Collection method: clinical testing. Allele origin: germline. Not counted in ClinVar's aggregate classification.